The following is an entry in ClinVar:

ClinVar aggregate classification (germline): Likely benign. Review status: criteria provided, multiple submitters, no conflicts (2 of 4 stars). 2 submissions from 2 submitters: Likely benign (2). Last evaluated 2024-12-26.

Conditions:
Alzheimer disease. Also called: Presenile and senile dementia; Alzheimer's disease. Identifiers: Orphanet 1020, MedGen C0002395, MeSH D000544, MONDO:0004975, HP:0002511.

Allele frequency attached by ClinVar (database versions not stated): ExAC 0.00001; gnomAD exomes 0.00002; gnomAD 0.00003; TOPMed 0.00003; 1000 Genomes Project 30x 0.00016.
gnomAD v4.1: 32 of 1,612,948 alleles (0.002%); highest among the groups gnomAD compares: Non-Finnish European, 0.0026%; no homozygotes.

Submissions (2):

Labcorp Genetics (formerly Invitae), Labcorp
Classification: Likely benign for Alzheimer disease. Last evaluated: 2024-12-26. Review status: criteria provided, single submitter. Criteria: Invitae Variant Classification Sherloc (09022015). Collection method: clinical testing. Allele origin: germline.

CeGaT Center for Human Genetics Tuebingen
Classification: Likely benign. Last evaluated: 2024-05-01. Review status: criteria provided, single submitter. Criteria: CeGaT Center For Human Genetics Tuebingen Variant Classification Criteria Version 2. Collection method: clinical testing. Allele origin: germline. Affected: yes. Observed: 1 variant allele.
Comment: APP: BP4, BP7

NM_000484.4(APP):c.453C>T (p.His151=)

Gene: APP (amyloid beta precursor protein; minus strand). Cytogenetic location: 21q21.3.
Variant type: single nucleotide variant.
Coding change: c.453C>T on transcript NM_000484.4 (MANE Select); coding-DNA position 453, C replaced by T.
Protein change: p.His151=; no amino-acid change (histidine 151 retained).
Molecular consequence: synonymous variant.
Genome position (GRCh38, 1-based): chr21:26,053,251, G>A on the plus strand (C>T on the coding strand, the complement: APP is on the minus strand). VCF-style: chr21-26053251-G-A. GRCh37 (hg19) VCF-style: chr21-27425567-G-A.
Other names: c.438C>T, p.His146= (NM_001136016.3); c.285C>T, p.His95= (NM_001136129.3, NM_001136130.3); c.348C>T, p.His116= (NM_001136131.3); c.453C>T, p.His151= (NM_001204301.2, NM_001204302.2, NM_001204303.2 and 3 more transcripts).
Identifiers: ClinVar variation 3238992 (VCV003238992.21), dbSNP rs41276552.